The following is an entry in ClinVar:

NM_000260.4(MYO7A):c.1132C>T (p.Arg378Cys)

Gene: MYO7A (myosin VIIA; plus strand). Cytogenetic location: 11q13.5.
Variant type: single nucleotide variant.
Coding change: c.1132C>T on transcript NM_000260.4 (MANE Select); coding-DNA position 1132, C replaced by T.
Protein change: p.Arg378Cys; replaces arginine 378 with cysteine.
Molecular consequence: missense variant.
Genome position (GRCh38, 1-based): chr11:77,160,214, C>T. VCF-style: chr11-77160214-C-T. GRCh37 (hg19) VCF-style: chr11-76871260-C-T.
Other names: c.1132C>T, p.Arg378Cys (NM_001127180.2); c.1099C>T, p.Arg367Cys (NM_001369365.1); short protein forms R378C, R367C.
Identifiers: ClinVar variation 43135 (VCV000043135.26), dbSNP rs199818783, ClinGen allele CA132196.

ClinVar aggregate classification (germline): Conflicting classifications of pathogenicity. Review status: criteria provided, conflicting classifications (1 of 4 stars). 12 submissions from 10 submitters: Uncertain significance (8); Likely benign (1). 3 of the submissions do not count toward it. Last evaluated 2026-05-26.

Conditions:
MYO7A-related disorder. Also called: MYO7A-related disorders.
Autosomal recessive nonsyndromic hearing loss 2. Also called: DEAFNESS, AUTOSOMAL RECESSIVE 2; NEUROSENSORY NONSYNDROMIC RECESSIVE DEAFNESS 2. Identifiers: Orphanet 90636, MedGen C1838701, MONDO:0010807, OMIM 600060.
Usher syndrome type 1 (USH1). Also called: RETINITIS PIGMENTOSA AND CONGENITAL DEAFNESS. Identifiers: Orphanet 231169, Orphanet 886, MedGen C1568247, MONDO:0010168, OMIM 276900.
Retinal dystrophy. Also called: Inherited retinal dystrophy. Identifiers: Orphanet 71862, MedGen C0854723, MeSH D058499, MONDO:0019118, HP:0000556.
Autosomal dominant nonsyndromic hearing loss 11. Identifiers: Orphanet 90635, MedGen C1832475, MONDO:0011032, OMIM 601317.
Usher syndrome type 1B (USH1B). Also called: Usher syndrome type IB. Identifiers: MedGen C1848638, MONDO:0700087.

Allele frequency attached by ClinVar (database versions not stated): gnomAD 0.00020 and 0.00024; TOPMed 0.00021; ESP Exome Variant Server 0.00024; gnomAD exomes 0.00030; ExAC 0.00083.
gnomAD v4.1: 436 of 1,581,022 alleles (0.028%); highest among the groups gnomAD compares: Non-Finnish European, 0.029%; 1 homozygote.

Submissions (12):

PreventionGenetics, part of Exact Sciences
Classification: Uncertain significance for MYO7A-related condition. Last evaluated: 2026-05-26. Review status: criteria provided, single submitter. Criteria: ACMG Guidelines, 2015. Collection method: clinical testing. Allele origin: germline.
Comment: The MYO7A c.1132C>T variant is predicted to result in the amino acid substitution p.Arg378Cys. To our knowledge, this variant has not been previously reported in the literature. A different amino acid change at this position (R378S) was previously reported in a study of patients with Usher syndrome (Supplementary Table 1, Cremers et al. 2006. PubMed ID: 16963483). However, clinical or functional data was not provided in this study. This variant is reported in 0.083% of alleles in individuals of European (Finnish) descent in gnomAD, which may be too common to be a primary cause of disease. Although we suspect that this variant may be benign, at this time, the clinical significance of this variant is uncertain due to the absence of conclusive functional and genetic evidence.

Blueprint Genetics
Classification: Uncertain significance. Last evaluated: 2024-11-25. Review status: criteria provided, single submitter. Criteria: ACMG Guidelines, 2015. Collection method: clinical testing. Allele origin: germline.

Labcorp Genetics (formerly Invitae), Labcorp
Classification: Uncertain significance. Last evaluated: 2024-10-17. Review status: criteria provided, single submitter. Criteria: Invitae Variant Classification Sherloc (09022015). Collection method: clinical testing. Allele origin: germline.
Comment: This sequence change replaces arginine, which is basic and polar, with cysteine, which is neutral and slightly polar, at codon 378 of the MYO7A protein (p.Arg378Cys). This variant is present in population databases (rs199818783, gnomAD 0.08%). This variant has not been reported in the literature in individuals affected with MYO7A-related conditions. ClinVar contains an entry for this variant (Variation ID: 43135). Invitae Evidence Modeling of protein sequence and biophysical properties (such as structural, functional, and spatial information, amino acid conservation, physicochemical variation, residue mobility, and thermodynamic stability) has been performed for this missense variant. However, the output from this modeling did not meet the statistical confidence thresholds required to predict the impact of this variant on MYO7A protein function. In summary, the available evidence is currently insufficient to determine the role of this variant in disease. Therefore, it has been classified as a Variant of Uncertain Significance.

GeneDx
Classification: Uncertain significance. Last evaluated: 2022-04-20. Review status: criteria provided, single submitter. Criteria: GeneDx Variant Classification Process June 2021. Collection method: clinical testing. Allele origin: germline. Affected: yes.
Comment: Identified in patients with symptoms of Usher syndrome in published literature, although information about additional variants and clinical information is limited or unavailable (Cremers et al., 2007; Wang et al., 2017); In silico analysis, which includes protein predictors and evolutionary conservation, supports a deleterious effect; This variant is associated with the following publications: (PMID: 28838317, 16963483)

Centre for Mendelian Genomics, University Medical Centre Ljubljana
Classification: Uncertain significance for Autosomal dominant nonsyndromic hearing loss 11. Last evaluated: 2019-03-24. Review status: criteria provided, single submitter. Criteria: ACMG Guidelines, 2015. Collection method: clinical testing. Allele origin: unknown. Affected: yes.
Comment: This variant was classified as: Uncertain significance. The following ACMG criteria were applied in classifying this variant: PM2,PP3.

Illumina Laboratory Services, Illumina
Classification: Uncertain significance for Autosomal recessive nonsyndromic hearing loss 2. Last evaluated: 2018-01-12. Review status: criteria provided, single submitter. Criteria: ICSL Variant Classification Criteria 13 December 2019. Collection method: clinical testing. Allele origin: germline.

Illumina Laboratory Services, Illumina
Classification: Likely benign for Autosomal dominant nonsyndromic hearing loss 11. Last evaluated: 2018-01-12. Review status: criteria provided, single submitter. Criteria: ICSL Variant Classification Criteria 13 December 2019. Collection method: clinical testing. Allele origin: germline.
Comment: This variant was observed in the ICSL laboratory as part of a predisposition screen in an ostensibly healthy population. It had not been previously curated by ICSL or reported in the Human Gene Mutation Database (HGMD: prior to June 1st, 2018), and was therefore a candidate for classification through an automated scoring system. Utilizing variant allele frequency, disease prevalence and penetrance estimates, and inheritance mode, an automated score was calculated to assess if this variant is too frequent to cause the disease. Based on the score and internal cut-off values, a variant classified as likely benign is not then subjected to further curation. The score for this variant resulted in a classification of likely benign for this disease.

Illumina Laboratory Services, Illumina
Classification: Uncertain significance for Usher syndrome type 1. Last evaluated: 2018-01-12. Review status: criteria provided, single submitter. Criteria: ICSL Variant Classification Criteria 13 December 2019. Collection method: clinical testing. Allele origin: germline.

Laboratory for Molecular Medicine, Mass General Brigham Personalized Medicine
Classification: Uncertain significance. Last evaluated: 2013-05-07. Review status: criteria provided, single submitter. Criteria: LMM Criteria. Collection method: clinical testing. Allele origin: germline. Observed: 2 variant alleles.
Comment: It has also been identified in 0.04% (3/8378) of European American chromos omes by the NHLBI Exome sequencing project (db SNP rs199818783). Although this variant has been seen in the general population, its frequency is not high enough to rule out a pathogenic role. Computational a nalyses (biochemical, amino acid properties, conservation, AlignGVGD, PolyPhen2, and SIFT) do not provide strong support for or against an impact to the protein . In summary, additional information is needed to determine the clinical signifi cance of this variant.

Natera, Inc.
Classification: Uncertain significance for Usher syndrome type 1B. Last evaluated: 2020-02-12. Review status: no assertion criteria provided. Collection method: clinical testing. Allele origin: germline. Not counted in ClinVar's aggregate classification.

Counsyl
Classification: Uncertain significance for Usher syndrome type 1; Autosomal recessive nonsyndromic hearing loss 2. Last evaluated: 2017-02-07. Review status: no assertion criteria provided. Collection method: clinical testing. Allele origin: unknown. Not counted in ClinVar's aggregate classification.

Institute of Human Genetics, Univ. Regensburg, Univ. Regensburg
Classification: Uncertain significance for Retinal dystrophy. Last evaluated: 2012-01-01. Review status: no assertion criteria provided. Criteria: ACMG Guidelines, 2015. Collection method: clinical testing. Allele origin: germline. Affected: yes. Not counted in ClinVar's aggregate classification.

Literature cited by the submitters: PubMed 16963483 (cited by Laboratory for Molecular Medicine, Mass General Brigham Personalized Medicine).